The following is an entry in ClinVar:

NC_000006.11:g.(?_65523251)_(65707616_?)dup

Gene: EYS (eyes shut homolog; minus strand). Cytogenetic location: 6q12.
Variant type: Duplication.
Identifiers: ClinVar variation 2423853 (VCV002423853.4).

ClinVar aggregate classification (germline): Likely pathogenic (1 of 4 stars; one submission).

Submission:

Labcorp Genetics (formerly Invitae), Labcorp
Classification: Likely pathogenic. Last evaluated: 2022-06-16. Review status: criteria provided, single submitter. Criteria: Invitae Variant Classification Sherloc (09022015). Collection method: clinical testing. Allele origin: germline.
Comment: In summary, the currently available evidence indicates that the variant is pathogenic, but additional data are needed to prove that conclusively. Therefore, this variant has been classified as Likely Pathogenic. This variant has not been reported in the literature in individuals affected with EYS-related conditions. This variant results in a copy number gain of the genomic region encompassing exon(s) 14-22 of the EYS gene. While the exact position of this variant cannot be determined from the data, sub-genic copy number gains are generally in tandem (PMID: 25640679). This variant is predicted to be out-of-frame, and may result in an absent or disrupted protein product. Loss-of-function variants in EYS are known to be pathogenic (PMID: 18836446, 20333770).

Literature cited by the submitters: PubMed 25640679; PubMed 18836446; PubMed 20333770.